The following is an entry in ClinVar:

ClinVar aggregate classification (germline): Pathogenic (1 of 4 stars; one submission).

Conditions:
Primary ciliary dyskinesia. Also called: Ciliary dyskinesia. Identifiers: Orphanet 244, MedGen C0008780, MONDO:0016575, HP:0012265.

Submission:

Labcorp Genetics (formerly Invitae), Labcorp
Classification: Pathogenic for Primary ciliary dyskinesia. Last evaluated: 2025-01-20. Review status: criteria provided, single submitter. Criteria: Invitae Variant Classification Sherloc (09022015). Collection method: clinical testing. Allele origin: germline.
Comment: This sequence change creates a premature translational stop signal (p.Leu25Thrfs*60) in the MCIDAS gene. It is expected to result in an absent or disrupted protein product. Loss-of-function variants in MCIDAS are known to be pathogenic (PMID: 25048963). This variant is not present in population databases (gnomAD no frequency). This variant has not been reported in the literature in individuals affected with MCIDAS-related conditions. For these reasons, this variant has been classified as Pathogenic.

Literature cited by the submitters: PubMed 25048963.

NM_001190787.3(MCIDAS):c.72dup (p.Leu25fs)

Genes: MCIDAS (multiciliate differentiation and DNA synthesis associated cell cycle protein; minus strand), LOC129993892 (ATAC-STARR-seq lymphoblastoid silent region 16010; plus strand). Cytogenetic location: 5q11.2.
Variant type: Duplication.
Coding change: c.72dup on transcript NM_001190787.3 (MANE Select); coding-DNA position 72, one base duplicated (A; older notation c.72dupA).
Protein change: p.Leu25fs; shifts the reading frame from leucine 25.
Molecular consequence: frameshift variant.
Genome position (GRCh38, 1-based): chr5:55,227,067, T duplicated on the plus strand (A on the coding strand, the reverse complement: MCIDAS is on the minus strand). VCF-style (leftmost placement, unchanged base first): chr5-55227066-G-GT. GRCh37 (hg19) VCF-style: chr5-54522894-G-GT.
Other names: short protein forms L25fs.
Identifiers: ClinVar variation 3729249 (VCV003729249.2).